The following is an entry in ClinVar:

ClinVar aggregate classification (germline): Uncertain significance (1 of 4 stars; one submission).

Submission:

CeGaT Center for Human Genetics Tuebingen
Classification: Uncertain significance. Last evaluated: 2023-12-01. Review status: criteria provided, single submitter. Criteria: CeGaT Center For Human Genetics Tuebingen Variant Classification Criteria Version 2. Collection method: clinical testing. Allele origin: germline. Affected: yes. Observed: 1 variant allele.
Comment: CACNA1S: PM2, PP4

NM_000069.3(CACNA1S):c.2839G>T (p.Val947Phe)

Gene: CACNA1S (calcium voltage-gated channel subunit alpha1 S; minus strand). Cytogenetic location: 1q32.1.
Variant type: single nucleotide variant.
Coding change: c.2839G>T on transcript NM_000069.3 (MANE Select); coding-DNA position 2839, G replaced by T.
Protein change: p.Val947Phe; replaces valine 947 with phenylalanine.
Molecular consequence: missense variant.
Genome position (GRCh38, 1-based): chr1:201,065,852, C>A on the plus strand (G>T on the coding strand, the complement: CACNA1S is on the minus strand). VCF-style: chr1-201065852-C-A. GRCh37 (hg19) VCF-style: chr1-201034980-C-A.
Other names: short protein forms V947F.
Identifiers: ClinVar variation 3026715 (VCV003026715.22), dbSNP rs76460090, ClinGen allele CA344101247.
Genomic context (GRCh38, chr1:201,065,852, plus strand): 5'-GGGCTGGGAGCGGGAGGGGGAGCTGCTCGCGCAGGCTGGGGCTCACCTTGAAGAGCTGGA[C>A]GCCGATGCAGGCAAACATGAACTGTAGGAGGGTAGTGACCAGCACGATGTTCCCGATGGT-3'
Protein context (NP_000060.2, residues 937-957): LLQFMFACIG[Val947Phe]QLFKGKFFRC